The following is an entry in ClinVar:

NM_000064.4(C3):c.-44C>T

Gene: C3 (complement C3; minus strand). Cytogenetic location: 19p13.3.
Variant type: single nucleotide variant.
Coding change: c.-44C>T on transcript NM_000064.4 (MANE Select); 44 bases upstream of the start codon, C replaced by T.
Molecular consequence: 5 prime UTR variant.
Genome position (GRCh38, 1-based): chr19:6,720,633, G>A on the plus strand (C>T on the coding strand, the complement: C3 is on the minus strand). VCF-style: chr19-6720633-G-A. GRCh37 (hg19) VCF-style: chr19-6720644-G-A.
Identifiers: ClinVar variation 894053 (VCV000894053.5), dbSNP rs773043245, ClinGen allele CA9129937.
Genomic context (GRCh38, chr19:6,720,633, plus strand): 5'-CCTGAGGTGGGTCCCATGGTGCTGGGACAGTGCAGGGTCAGAGGGACAGAGGGACAGAGG[G>A]AGAGGATGGGGAGGAGTGAGCAGCGCCTGCTGGAGCTGGCTTTTTATCTGGCTCCTGCCT-3'

ClinVar aggregate classification (germline): Uncertain significance. Review status: criteria provided, multiple submitters, no conflicts (2 of 4 stars). 4 submissions from 2 submitters: Uncertain significance (4). Last evaluated 2025-09-30.

Conditions:
Complement component 3 deficiency. Identifiers: Orphanet 280133, MedGen C3151071, MONDO:0013417, OMIM 613779.
Atypical hemolytic-uremic syndrome. Identifiers: Orphanet 2134, MedGen C2931788, MONDO:0016244.
Age related macular degeneration 9. Identifiers: MedGen C1969651, MONDO:0012659, OMIM 611378.
Atypical hemolytic-uremic syndrome with C3 anomaly. Also called: AHUS, SUSCEPTIBILITY TO, 5. Identifiers: Orphanet 2134, MedGen C2752037, MONDO:0013043, OMIM 612925.

Allele frequency attached by ClinVar (database versions not stated): TOPMed 0.00005; gnomAD exomes 0.00014 and 0.00022; gnomAD 0.00035 and 0.00039.
gnomAD v4.1: 237 of 1,466,868 alleles (0.016%); highest among the groups gnomAD compares: Non-Finnish European, 0.0077%; 2 homozygotes.

Submissions (4):

Genomenon, Inc
Classification: Uncertain significance for Atypical hemolytic-uremic syndrome. Last evaluated: 2025-09-30. Review status: criteria provided, single submitter. Criteria: Genomenon Sequence Variant Interpretation Standards. Collection method: curation. Allele origin: germline. Affected: yes.
Comment: C3 c.-44C>T is a variant located in the 5′ untranslated region (5′ UTR). This variant has been observed in at least one proband affected with atypical hemolytic-uremic syndrome (PMID:26826462). It is absent or not present at a significant frequency in gnomAD. In conclusion, we classify C3 c.-44C>T as a variant of unknown significance.

Illumina Laboratory Services, Illumina
Classification: Uncertain significance for Complement component 3 deficiency. Last evaluated: 2018-01-13. Review status: criteria provided, single submitter. Criteria: ICSL Variant Classification Criteria 13 December 2019. Collection method: clinical testing. Allele origin: germline.

Illumina Laboratory Services, Illumina
Classification: Uncertain significance for Atypical hemolytic-uremic syndrome with C3 anomaly. Last evaluated: 2018-01-13. Review status: criteria provided, single submitter. Criteria: ICSL Variant Classification Criteria 13 December 2019. Collection method: clinical testing. Allele origin: germline.

Illumina Laboratory Services, Illumina
Classification: Uncertain significance for Age related macular degeneration 9. Last evaluated: 2018-01-13. Review status: criteria provided, single submitter. Criteria: ICSL Variant Classification Criteria 13 December 2019. Collection method: clinical testing. Allele origin: germline.

Literature cited by the submitters: PubMed 26826462 (cited by Genomenon, Inc).